The following is an entry in ClinVar:

NM_152564.5(VPS13B):c.203A>G (p.His68Arg)

Gene: VPS13B (vacuolar protein sorting 13 homolog B; plus strand). Cytogenetic location: 8q22.2.
Variant type: single nucleotide variant.
Coding change: c.203A>G on transcript NM_152564.5 (MANE Select); coding-DNA position 203, A replaced by G.
Protein change: p.His68Arg; replaces histidine 68 with arginine.
Molecular consequence: missense variant. On other transcripts: non-coding transcript variant (1).
Genome position (GRCh38, 1-based): chr8:99,038,478, A>G. VCF-style: chr8-99038478-A-G. GRCh37 (hg19) VCF-style: chr8-100050706-A-G.
Other names: c.203A>G (NM_017890.4, NM_017890.3); c.203A>G, p.His68Arg (NM_015243.3, NM_017890.5, NM_181661.3); short protein forms H68R.
Identifiers: ClinVar variation 1060582 (VCV001060582.11), dbSNP rs368511311, ClinGen allele CA4822306.
Genomic context (GRCh38, chr8:99,038,478, plus strand): 5'-TTAAGGAACTGAAATTACCATTCACTTTTTTAAGTGGACATATTCATGAATTGAGGATTC[A>G]TGTACCATGGACAAAACTGGGTTCAGAACCAGTGGTAATTACCATCAATACTATGGAATG-3'
Protein context (NP_689777.3, residues 58-78): LSGHIHELRI[His68Arg]VPWTKLGSEP

ClinVar aggregate classification (germline): Uncertain significance. Review status: criteria provided, multiple submitters, no conflicts (2 of 4 stars). 4 submissions from 4 submitters: Uncertain significance (3). 1 of the submissions does not count toward it. Last evaluated 2026-01-25.

Conditions:
Inborn genetic diseases. Identifiers: MedGen C0950123, MeSH D030342.
Cohen syndrome (COH1). Also called: PEPPER SYNDROME; Cutis verticis gyrata, retinitis pigmentosa, and sensorineural deafness. Identifiers: Orphanet 193, MedGen C0265223, MONDO:0008999, OMIM 216550.

Allele frequency attached by ClinVar (database versions not stated): gnomAD exomes 0.00001 and 0.00002; ExAC 0.00002; gnomAD 0.00002; TOPMed 0.00005; ESP Exome Variant Server 0.00008.
gnomAD v4.1: 15 of 1,611,950 alleles (0.00093%); highest among the groups gnomAD compares: African/African-American, 0.015%; no homozygotes.

Submissions (4):

Labcorp Genetics (formerly Invitae), Labcorp
Classification: Uncertain significance for Cohen syndrome. Last evaluated: 2026-01-25. Review status: criteria provided, single submitter. Criteria: Invitae Variant Classification Sherloc (09022015). Collection method: clinical testing. Allele origin: germline.
Comment: This sequence change replaces histidine, which is basic and polar, with arginine, which is basic and polar, at codon 68 of the VPS13B protein (p.His68Arg). This variant is present in population databases (rs368511311, gnomAD 0.03%). This variant has not been reported in the literature in individuals affected with VPS13B-related conditions. ClinVar contains an entry for this variant (Variation ID: 1060582). Invitae Evidence Modeling of protein sequence and biophysical properties (such as structural, functional, and spatial information, amino acid conservation, physicochemical variation, residue mobility, and thermodynamic stability) indicates that this missense variant is expected to disrupt VPS13B protein function with a positive predictive value of 80%. In summary, the available evidence is currently insufficient to determine the role of this variant in disease. Therefore, it has been classified as a Variant of Uncertain Significance.

Ambry Genetics
Classification: Uncertain significance for Inborn genetic diseases. Last evaluated: 2025-04-15. Review status: criteria provided, single submitter. Criteria: Ambry Variant Classification Scheme 2023. Collection method: clinical testing. Allele origin: germline.

Fulgent Genetics
Classification: Uncertain significance for Cohen syndrome. Last evaluated: 2024-01-05. Review status: criteria provided, single submitter. Criteria: ACMG Guidelines, 2015. Collection method: clinical testing. Allele origin: germline.

Natera, Inc.
Classification: Uncertain significance for Cohen syndrome. Last evaluated: 2019-10-29. Review status: no assertion criteria provided. Collection method: clinical testing. Allele origin: germline. Not counted in ClinVar's aggregate classification.